The following is an entry in ClinVar:

ClinVar aggregate classification (germline): Uncertain significance (1 of 4 stars; one submission).

Conditions:
Developmental delay, impaired speech, and behavioral abnormalities, with or without seizures (DEDISB). Identifiers: MedGen C5575272, MONDO:0859263, OMIM 619964.

gnomAD v4.1: 5 of 1,611,536 alleles (0.00031%); highest among the groups gnomAD compares: African/African-American, 0.0067%; no homozygotes.

Submission:

Pittsburgh Clinical Genomics Laboratory, University of Pittsburgh Medical Center
Classification: Uncertain significance for Developmental delay, impaired speech, and behavioral abnormalities, with or without seizures. Last evaluated: 2024-02-01. Review status: criteria provided, single submitter. Criteria: ACMG Guidelines, 2015. Collection method: clinical testing. Allele origin: germline. Inheritance: Autosomal dominant inheritance. Affected: yes.
Comment: This sequence variant is a single nucleotide substitution (T>C) five bases before the start of exon 21 in the intron 20 splice region of the ARFGEF1 gene. This variant is absent from ClinVar but is observed in 5 of 1,611,536 alleles (0.0003%) in the gnomAD v4.0.0 population dataset. To our knowledge, this variant has not been observed in an individual affected by a ARFGEF1-related disorder in the published literature. In silico splice predictors indicate that this variant is unlikely to have an impact on ARFGEF1 splicing, and the A nucleotide at this position is not strongly conserved across the vertebrates examined. Studies examining the functional consequence of this variant have not been published to our knowledge. At this time, there is insufficient evidence to determine if this variant is pathogenic or benign. Therefore, we consider this a variant of uncertain significance. ACMG Criteria: BP4, PM2

NM_006421.5(ARFGEF1):c.2980-5T>C

Gene: ARFGEF1 (ARF guanine nucleotide exchange factor 1; minus strand). Cytogenetic location: 8q13.2.
Variant type: single nucleotide variant.
Coding change: c.2980-5T>C on transcript NM_006421.5 (MANE Select); 5 bases into the intron before coding-DNA position 2980, T replaced by C.
Molecular consequence: intron variant.
Genome position (GRCh38, 1-based): chr8:67,238,898, A>G on the plus strand (T>C on the coding strand, the complement: ARFGEF1 is on the minus strand). VCF-style: chr8-67238898-A-G. GRCh37 (hg19) VCF-style: chr8-68151133-A-G.
Other names: c.2980-5T>C (NM_001413186.1, NM_001413187.1, NM_001413185.1 and 6 more transcripts); c.2380-5T>C (NM_001413188.1, NM_001413197.1, NM_001413193.1); c.1555-5T>C (NM_001413196.1); c.2974-5T>C (NM_001413190.1).
Identifiers: ClinVar variation 3376370 (VCV003376370.1).